The following is an entry in ClinVar:

ClinVar aggregate classification (germline): Uncertain significance (1 of 4 stars; one submission).

Submission:

Labcorp Genetics (formerly Invitae), Labcorp
Classification: Uncertain significance. Last evaluated: 2021-08-09. Review status: criteria provided, single submitter. Criteria: Invitae Variant Classification Sherloc (09022015). Collection method: clinical testing. Allele origin: germline.
Comment: In summary, the available evidence is currently insufficient to determine the role of this variant in disease. Therefore, it has been classified as a Variant of Uncertain Significance. Algorithms developed to predict the effect of missense changes on protein structure and function (SIFT, PolyPhen-2, Align-GVGD) all suggest that this variant is likely to be tolerated. This variant has not been reported in the literature in individuals affected with RINT1-related conditions. This variant is not present in population databases (ExAC no frequency). This sequence change replaces alanine with glutamic acid at codon 566 of the RINT1 protein (p.Ala566Glu). The alanine residue is moderately conserved and there is a moderate physicochemical difference between alanine and glutamic acid.

NM_021930.6(RINT1):c.1697C>A (p.Ala566Glu)

Gene: RINT1 (RAD50 interactor 1; plus strand). Cytogenetic location: 7q22.3.
Variant type: single nucleotide variant.
Coding change: c.1697C>A on transcript NM_021930.6 (MANE Select); coding-DNA position 1697, C replaced by A.
Protein change: p.Ala566Glu; replaces alanine 566 with glutamic acid.
Molecular consequence: missense variant. On other transcripts: non-coding transcript variant (1).
Genome position (GRCh38, 1-based): chr7:105,563,758, C>A. VCF-style: chr7-105563758-C-A. GRCh37 (hg19) VCF-style: chr7-105204205-C-A.
Other names: c.1463C>A, p.Ala488Glu (NM_001346599.2); c.674C>A, p.Ala225Glu (NM_001346600.2, NM_001346603.2); c.773C>A, p.Ala258Glu (NM_001346601.2); short protein forms A258E, A488E, A225E, A566E.
Identifiers: ClinVar variation 1482020 (VCV001482020.6), dbSNP rs2133463532, ClinGen allele CA368813531.
Genomic context (GRCh38, chr7:105,563,758, plus strand): 5'-AGTATGCTAATGTGTTAACATGTTTTTGCTTTCAGTTCTTTCTACAACTTCAACAGGCTG[C>A]ACTGGAGGTGTTTGCAGAGAATAATACTCTGAGTAAATTGCAGCTAGGACAGCTAGCCTC-3'
Protein context (NP_068749.3, residues 556-576): NVFFLQLQQA[Ala566Glu]LEVFAENNTL